The following is an entry in ClinVar:

ClinVar aggregate classification (germline): Pathogenic/Likely pathogenic. Review status: criteria provided, multiple submitters, no conflicts (2 of 4 stars). 2 submissions from 2 submitters: Pathogenic (1); Likely pathogenic (1). Last evaluated 2022-02-11.

Conditions:
Congenital muscular dystrophy due to integrin alpha-7 deficiency. Also called: MYOPATHY, CONGENITAL, DUE TO INTEGRIN ALPHA-7 DEFICIENCY; Congenital muscular dystrophy with integrin alpha-7 deficiency; Muscular dystrophy, congenital, due to ITGA7 deficiency. Identifiers: Orphanet 34520, MedGen C2750786, MONDO:0013177, OMIM 613204.

Submissions (2):

Labcorp Genetics (formerly Invitae), Labcorp
Classification: Pathogenic for Congenital muscular dystrophy due to integrin alpha-7 deficiency. Last evaluated: 2022-02-11. Review status: criteria provided, single submitter. Criteria: Invitae Variant Classification Sherloc (09022015). Collection method: clinical testing. Allele origin: germline.
Comment: For these reasons, this variant has been classified as Pathogenic. ClinVar contains an entry for this variant (Variation ID: 422959). This variant has not been reported in the literature in individuals affected with ITGA7-related conditions. This variant is present in population databases (rs757722331, gnomAD 0.0009%). This sequence change creates a premature translational stop signal (p.Gly363Valfs*143) in the ITGA7 gene. It is expected to result in an absent or disrupted protein product. Loss-of-function variants in ITGA7 are known to be pathogenic (PMID: 9590299).

GeneDx
Classification: Likely pathogenic. Last evaluated: 2020-09-22. Review status: criteria provided, single submitter. Criteria: GeneDx Variant Classification Process June 2021. Collection method: clinical testing. Allele origin: germline. Affected: yes.
Comment: Frameshift variant predicted to result in protein truncation or nonsense mediated decay in a gene for which loss-of-function is a known mechanism of disease; Not observed at a significant frequency in large population cohorts (Lek et al., 2016); Has not been previously published as pathogenic or benign to our knowledge

Literature cited by the submitters: PubMed 9590299 (cited by Labcorp Genetics (formerly Invitae), Labcorp).

NM_002206.3(ITGA7):c.1088del (p.Gly363fs)

Gene: ITGA7 (integrin subunit alpha 7; minus strand). Cytogenetic location: 12q13.2.
Variant type: Deletion.
Coding change: c.1088del on transcript NM_002206.3 (MANE Select); coding-DNA position 1088, one base deleted (G; older notation c.1088delG).
Protein change: p.Gly363fs; shifts the reading frame from glycine 363.
Molecular consequence: frameshift variant. On other transcripts: 5 prime UTR variant (1).
Genome position (GRCh38, 1-based): chr12:55,698,487, C deleted on the plus strand (G on the coding strand, the reverse complement: ITGA7 is on the minus strand); the first of 6 consecutive C bases (chr12:55,698,487-55,698,492); deleting any one gives the same sequence. VCF-style (leftmost placement, unchanged base first): chr12-55698486-AC-A. GRCh37 (hg19) VCF-style: chr12-56092270-AC-A.
Other names: c.1083delG, p.Gly363Valfs (NM_001414034.1); c.1088delG (NM_002206.2); c.1100del, p.Gly367fs (NM_001144996.2); c.804delG, p.Gly270Valfs (NM_001144997.2); c.761del, p.Gly254fs (NM_001367993.1); c.-205del (NM_001367994.1); c.1088del, p.Gly363fs (NM_001374465.1); c.1215delG, p.Gly407Valfs (NM_001410977.1); and 4 more; short protein forms G270fs, G363fs, G254fs, G367fs.
Identifiers: ClinVar variation 422959 (VCV000422959.8), dbSNP rs587780362, ClinGen allele CA6616066.